The following is an entry in ClinVar:

NM_032638.5(GATA2):c.732C>A (p.His244Gln)

Gene: GATA2 (GATA binding protein 2; minus strand). Cytogenetic location: 3q21.3.
Variant type: single nucleotide variant.
Coding change: c.732C>A on transcript NM_032638.5 (MANE Select); coding-DNA position 732, C replaced by A.
Protein change: p.His244Gln; replaces histidine 244 with glutamine.
Molecular consequence: missense variant.
Genome position (GRCh38, 1-based): chr3:128,485,866, G>T on the plus strand (C>A on the coding strand, the complement: GATA2 is on the minus strand). VCF-style: chr3-128485866-G-T. GRCh37 (hg19) VCF-style: chr3-128204709-G-T.
Other names: c.732C>A, p.His244Gln (NM_001145661.2, NM_001145662.1); short protein forms H244Q.
Identifiers: ClinVar variation 1490907 (VCV001490907.8), dbSNP rs954005309, ClinGen allele CA354406108.

ClinVar aggregate classification (germline): Uncertain significance (1 of 4 stars; one submission).

Conditions:
Monocytopenia with susceptibility to infections. Also called: MONOCYTOPENIA AND MYCOBACTERIAL INFECTION SYNDROME; MONOCYTOPENIA WITH SUSCEPTIBILITY TO MYCOBACTERIAL, FUNGAL, AND PAPILLOMAVIRUS INFECTIONS AND MYELODYSPLASIA; COMBINED IMMUNODEFICIENCY WITH SUSCEPTIBILITY TO MYCOBACTERIAL, VIRAL, AND FUNGAL INFECTIONS; Dendritic cell, monocyte, B lymphocyte, and natural killer lymphocyte deficiency; IMMUNODEFICIENCY 21; GATA2 DEFICIENCY. Identifiers: Orphanet 228423, MedGen C3280030, MONDO:0013607, OMIM 614172.
Deafness-lymphedema-leukemia syndrome. Also called: Lymphedema, primary, with myelodysplasia; Emberger syndrome. Identifiers: Orphanet 3226, MedGen C3279664, MONDO:0013540, OMIM 614038.

Submission:

Labcorp Genetics (formerly Invitae), Labcorp
Classification: Uncertain significance for Monocytopenia with susceptibility to infections; Deafness-lymphedema-leukemia syndrome. Last evaluated: 2021-06-17. Review status: criteria provided, single submitter. Criteria: Invitae Variant Classification Sherloc (09022015). Collection method: clinical testing. Allele origin: germline.
Comment: This sequence change replaces histidine with glutamine at codon 244 of the GATA2 protein (p.His244Gln). The histidine residue is moderately conserved and there is a small physicochemical difference between histidine and glutamine. This variant is not present in population databases (ExAC no frequency). This variant has not been reported in the literature in individuals with GATA2-related conditions. Algorithms developed to predict the effect of missense changes on protein structure and function are either unavailable or do not agree on the potential impact of this missense change (SIFT: "Tolerated"; PolyPhen-2: "Probably Damaging"; Align-GVGD: "Class C0"). In summary, the available evidence is currently insufficient to determine the role of this variant in disease. Therefore, it has been classified as a Variant of Uncertain Significance.